The following is an entry in ClinVar:

NM_001270974.2(HYDIN):c.14045del (p.Gln4682fs)

Gene: HYDIN (HYDIN axonemal central pair apparatus protein; minus strand). Cytogenetic location: 16q22.2.
Variant type: Deletion.
Coding change: c.14045del on transcript NM_001270974.2 (MANE Select); coding-DNA position 14045, one base deleted (A; older notation c.14045delA).
Protein change: p.Gln4682fs; shifts the reading frame from glutamine 4682.
Molecular consequence: frameshift variant.
Genome position (GRCh38, 1-based): chr16:70,829,685, T deleted on the plus strand (A on the coding strand, the reverse complement: HYDIN is on the minus strand). VCF-style (leftmost placement, unchanged base first): chr16-70829684-CT-C. GRCh37 (hg19) VCF-style: chr16-70863587-CT-C.
Other names: short protein forms Q4682fs.
Identifiers: ClinVar variation 4850453 (VCV004850453.1).

ClinVar aggregate classification (germline): Likely pathogenic (1 of 4 stars; one submission).

Conditions:
Primary ciliary dyskinesia 5. Also called: CILIARY DYSKINESIA, PRIMARY, 5, WITHOUT SITUS INVERSUS. Identifiers: Orphanet 244, MedGen C1837615, MONDO:0012088, OMIM 608647.

Submission:

First Genomix Gene Laboratory, Genetic Diagnostics Department
Classification: Likely pathogenic for Primary ciliary dyskinesia 5. Last evaluated: 2025-10-10. Review status: criteria provided, single submitter. Criteria: ACMG Guidelines, 2015. Collection method: clinical testing. Allele origin: germline. Inheritance: Autosomal recessive inheritance. Affected: no. Observed: 1 variant allele.